The following is an entry in ClinVar:

ClinVar aggregate classification (germline): Uncertain significance (1 of 4 stars; one submission).

Conditions:
Cardiomyopathy (CMYO). Also called: Cardiomyopathies. Identifiers: Orphanet 167848, MedGen C0878544, MONDO:0004994, HP:0001638. Inheritance: Various modes of inheritance.

Submission:

Color Diagnostics, LLC DBA Color Health
Classification: Uncertain significance for Cardiomyopathy. Last evaluated: 2025-07-07. Review status: criteria provided, single submitter. Criteria: ACMG Guidelines, 2015. Collection method: clinical testing. Allele origin: germline.
Comment: This missense variant replaces aspartic acid with valine at codon 62 of the MYL3 protein. Computational prediction suggests that this variant may have deleterious impact on protein structure and function. To our knowledge, functional studies have not been reported for this variant. This variant has not been reported in individuals affected with MYL3-related disorders in the literature. This variant has not been identified in the general population by the Genome Aggregation Database (gnomAD). The available evidence is insufficient to determine the role of this variant in disease conclusively. Therefore, this variant is classified as a Variant of Uncertain Significance.

NM_000258.3(MYL3):c.185A>T (p.Asp62Val)

Gene: MYL3 (myosin light chain 3; minus strand). Cytogenetic location: 3p21.31.
Variant type: single nucleotide variant.
Coding change: c.185A>T on transcript NM_000258.3 (MANE Select); coding-DNA position 185, A replaced by T.
Protein change: p.Asp62Val; replaces aspartic acid 62 with valine.
Molecular consequence: missense variant.
Genome position (GRCh38, 1-based): chr3:46,860,798, T>A on the plus strand (A>T on the coding strand, the complement: MYL3 is on the minus strand). VCF-style: chr3-46860798-T-A. GRCh37 (hg19) VCF-style: chr3-46902288-T-A.
Other names: c.185A>T, p.Asp62Val (NM_001406937.1, NM_001406938.1, NM_001406939.1); c.11A>T, p.Asp4Val (NM_001406940.1, NM_001406941.1); short protein forms D4V, D62V.
Identifiers: ClinVar variation 4757492 (VCV004757492.1).